The following is an entry in ClinVar:

ClinVar aggregate classification (germline): Uncertain significance (1 of 4 stars; one submission).

Conditions:
Epilepsy, progressive myoclonic, 1B. Also called: PME. Identifiers: Orphanet 308, MedGen C2676254, MONDO:0012904, OMIM 612437.

Allele frequency attached by ClinVar (database versions not stated): TOPMed below 0.00001; gnomAD 0.00001; gnomAD exomes 0.00002.
gnomAD v4.1: 30 of 1,613,990 alleles (0.0019%); highest among the groups gnomAD compares: Non-Finnish European, 0.0025%; no homozygotes.

Submission:

Labcorp Genetics (formerly Invitae), Labcorp
Classification: Uncertain significance for Epilepsy, progressive myoclonic, 1B. Last evaluated: 2022-07-12. Review status: criteria provided, single submitter. Criteria: Invitae Variant Classification Sherloc (09022015). Collection method: clinical testing. Allele origin: germline.
Comment: This sequence change replaces methionine, which is neutral and non-polar, with valine, which is neutral and non-polar, at codon 537 of the PRICKLE1 protein (p.Met537Val). This variant is present in population databases (no rsID available, gnomAD 0.007%). This variant has not been reported in the literature in individuals affected with PRICKLE1-related conditions. ClinVar contains an entry for this variant (Variation ID: 574624). Algorithms developed to predict the effect of missense changes on protein structure and function are either unavailable or do not agree on the potential impact of this missense change (SIFT: "Deleterious"; PolyPhen-2: "Benign"; Align-GVGD: "Class C0"). In summary, the available evidence is currently insufficient to determine the role of this variant in disease. Therefore, it has been classified as a Variant of Uncertain Significance.

NM_153026.3(PRICKLE1):c.1609A>G (p.Met537Val)

Gene: PRICKLE1 (prickle planar cell polarity protein 1; minus strand). Cytogenetic location: 12q12.
Variant type: single nucleotide variant.
Coding change: c.1609A>G on transcript NM_153026.3 (MANE Select); coding-DNA position 1609, A replaced by G.
Protein change: p.Met537Val; replaces methionine 537 with valine.
Molecular consequence: missense variant.
Genome position (GRCh38, 1-based): chr12:42,464,425, T>C on the plus strand (A>G on the coding strand, the complement: PRICKLE1 is on the minus strand). VCF-style: chr12-42464425-T-C. GRCh37 (hg19) VCF-style: chr12-42858227-T-C.
Other names: c.1609A>G, p.Met537Val (NM_001144881.2, NM_001144882.2, NM_001144883.2); short protein forms M537V.
Identifiers: ClinVar variation 574624 (VCV000574624.8), dbSNP rs1437950772, ClinGen allele CA384441309.